The following is an entry in ClinVar:

ClinVar aggregate classification (germline): Uncertain significance (1 of 4 stars; one submission).

Submission:

GeneDx
Classification: Uncertain significance. Last evaluated: 2025-03-13. Review status: criteria provided, single submitter. Criteria: GeneDx Variant Classification Process June 2021. Collection method: clinical testing. Allele origin: germline. Affected: yes.
Comment: Not observed at significant frequency in large population cohorts (gnomAD); In silico analysis indicates that this missense variant does not alter protein structure/function; Has not been previously published as pathogenic or benign to our knowledge

NM_015335.5(MED13L):c.1935G>C (p.Glu645Asp)

Gene: MED13L (mediator complex subunit 13L; minus strand). Cytogenetic location: 12q24.21.
Variant type: single nucleotide variant.
Coding change: c.1935G>C on transcript NM_015335.5 (MANE Select); coding-DNA position 1935, G replaced by C.
Protein change: p.Glu645Asp; replaces glutamic acid 645 with aspartic acid.
Molecular consequence: missense variant.
Genome position (GRCh38, 1-based): chr12:116,008,478, C>G on the plus strand (G>C on the coding strand, the complement: MED13L is on the minus strand). VCF-style: chr12-116008478-C-G. GRCh37 (hg19) VCF-style: chr12-116446283-C-G.
Other names: short protein forms E645D.
Identifiers: ClinVar variation 4083357 (VCV004083357.1).